The following is an entry in ClinVar:

ClinVar aggregate classification (germline): Uncertain significance (1 of 4 stars; one submission).

gnomAD v4.1: 12 of 1,614,032 alleles (0.00074%); highest among the groups gnomAD compares: Non-Finnish European, 0.001%; no homozygotes.

Submission:

Ambry Genetics
Classification: Uncertain significance. Last evaluated: 2025-12-31. Review status: criteria provided, single submitter. Criteria: Ambry Variant Classification Scheme 2023. Collection method: clinical testing. Allele origin: germline.
Comment: The c.10556T>C (p.V3519A) alteration is located in exon 5 (coding exon 3) of the AHNAK gene. This alteration results from a T to C substitution at nucleotide position 10556, causing the valine (V) at amino acid position 3519 to be replaced by an alanine (A). Based on data from gnomAD, the C allele has an overall frequency of <0.001% (1/251312) total alleles studied. The highest observed frequency was 0.001% (1/113654) of European (non-Finnish) alleles. Based on insufficient or conflicting evidence, the clinical significance of this alteration remains unclear.

NM_001620.3(AHNAK):c.10556T>C (p.Val3519Ala)

Gene: AHNAK (AHNAK nucleoprotein; minus strand). Cytogenetic location: 11q12.3.
Variant type: single nucleotide variant.
Coding change: c.10556T>C on transcript NM_001620.3 (MANE Select); coding-DNA position 10556, T replaced by C.
Protein change: p.Val3519Ala; replaces valine 3519 with alanine.
Molecular consequence: missense variant. On other transcripts: intron variant (1).
Genome position (GRCh38, 1-based): chr11:62,523,861, A>G on the plus strand (T>C on the coding strand, the complement: AHNAK is on the minus strand). VCF-style: chr11-62523861-A-G. GRCh37 (hg19) VCF-style: chr11-62291333-A-G.
Other names: c.10556T>C, p.Val3519Ala (NM_001346445.2, NM_001346446.2); c.342+11142T>C (NM_024060.4); short protein forms V3519A.
Identifiers: ClinVar variation 4832120 (VCV004832120.1).